The following is an entry in ClinVar:

NM_003076.5(SMARCD1):c.31G>C (p.Ala11Pro)

Genes: SMARCD1 (SWI/SNF related BAF chromatin remodeling complex subunit D1; plus strand), LOC130007872 (ATAC-STARR-seq lymphoblastoid silent region 4446; plus strand). Cytogenetic location: 12q13.12.
Variant type: single nucleotide variant.
Coding change: c.31G>C on transcript NM_003076.5 (MANE Select); coding-DNA position 31, G replaced by C.
Protein change: p.Ala11Pro; replaces alanine 11 with proline.
Molecular consequence: missense variant.
Genome position (GRCh38, 1-based): chr12:50,085,400, G>C. VCF-style: chr12-50085400-G-C. GRCh37 (hg19) VCF-style: chr12-50479183-G-C.
Other names: c.31G>C, p.Ala11Pro (NM_139071.3); short protein forms A11P.
Identifiers: ClinVar variation 5018381 (VCV005018381.1).
Genomic context (GRCh38, chr12:50,085,400, plus strand): 5'-TTGTGCGGCTGCATCGGCGGCTCCGGGAAGATGGCGGCCCGGGCGGGTTTCCAGTCTGTG[G>C]CTCCAAGCGGCGGCGCCGGAGCCTCAGGAGGGGCGGGCGCGGCTGCTGCCTTGGGCCCGG-3'
Protein context (NP_003067.3, residues 1-21): MAARAGFQSV[Ala11Pro]PSGGAGASGG

ClinVar aggregate classification (germline): Uncertain significance (1 of 4 stars; one submission).

Submission:

GeneDx
Classification: Uncertain significance. Last evaluated: 2026-04-09. Review status: criteria provided, single submitter. Criteria: GeneDx Variant Classification Process June 2021. Collection method: clinical testing. Allele origin: germline.
Comment: Not observed at significant frequency in large population cohorts (gnomAD); In silico analysis suggests that this missense variant does not alter protein structure/function; Has not been previously published as pathogenic or benign to our knowledge